The following is an entry in ClinVar:

NM_001172509.2(SATB2):c.1671G>C (p.Glu557Asp)

Gene: SATB2 (SATB homeobox 2; minus strand). Cytogenetic location: 2q33.1.
Variant type: single nucleotide variant.
Coding change: c.1671G>C on transcript NM_001172509.2 (MANE Select); coding-DNA position 1671, G replaced by C.
Protein change: p.Glu557Asp; replaces glutamic acid 557 with aspartic acid.
Molecular consequence: missense variant.
Genome position (GRCh38, 1-based): chr2:199,308,829, C>G on the plus strand (G>C on the coding strand, the complement: SATB2 is on the minus strand). VCF-style: chr2-199308829-C-G. GRCh37 (hg19) VCF-style: chr2-200173552-C-G.
Other names: c.1671G>C, p.Glu557Asp (NM_001172517.1, NM_015265.4); short protein forms E557D.
Identifiers: ClinVar variation 834509 (VCV000834509.10), dbSNP rs377609161, ClinGen allele CA2045838.

ClinVar aggregate classification (germline): Uncertain significance (1 of 4 stars; one submission).

Conditions:
Chromosome 2q32-q33 deletion syndrome (GLASS). Also called: Glass syndrome; 2q33.1 deletion syndrome. Identifiers: Orphanet 251019, MedGen C2676739, MONDO:0012864, OMIM 612313.

Allele frequency attached by ClinVar (database versions not stated): ExAC 0.00001; gnomAD 0.00001; TOPMed 0.00001; ESP Exome Variant Server 0.00008.
gnomAD v4.1: 8 of 1,614,050 alleles (0.0005%); highest among the groups gnomAD compares: Non-Finnish European, 0.00068%; no homozygotes.

Submission:

Labcorp Genetics (formerly Invitae), Labcorp
Classification: Uncertain significance for Chromosome 2q32-q33 deletion syndrome. Last evaluated: 2021-05-10. Review status: criteria provided, single submitter. Criteria: Invitae Variant Classification Sherloc (09022015). Collection method: clinical testing. Allele origin: germline.
Comment: This variant is present in population databases (rs377609161, ExAC 0.001%). This sequence change replaces glutamic acid with aspartic acid at codon 557 of the SATB2 protein (p.Glu557Asp). The glutamic acid residue is moderately conserved and there is a small physicochemical difference between glutamic acid and aspartic acid. This variant has not been reported in the literature in individuals with SATB2-related conditions. In summary, the available evidence is currently insufficient to determine the role of this variant in disease. Therefore, it has been classified as a Variant of Uncertain Significance. Algorithms developed to predict the effect of missense changes on protein structure and function are either unavailable or do not agree on the potential impact of this missense change (SIFT: "Tolerated"; PolyPhen-2: "Probably Damaging"; Align-GVGD: "Class C0").